The following is an entry in ClinVar:

NM_030962.4(SBF2):c.536G>A (p.Gly179Glu)

Gene: SBF2 (SET binding factor 2; minus strand). Cytogenetic location: 11p15.4.
Variant type: single nucleotide variant.
Coding change: c.536G>A on transcript NM_030962.4 (MANE Select); coding-DNA position 536, G replaced by A.
Protein change: p.Gly179Glu; replaces glycine 179 with glutamic acid.
Molecular consequence: missense variant.
Genome position (GRCh38, 1-based): chr11:10,028,535, C>T on the plus strand (G>A on the coding strand, the complement: SBF2 is on the minus strand). VCF-style: chr11-10028535-C-T. GRCh37 (hg19) VCF-style: chr11-10050082-C-T.
Other names: c.536G>A, p.Gly179Glu (NM_001386339.1, NM_001386342.1); short protein forms G179E.
Identifiers: ClinVar variation 1997633 (VCV001997633.4), dbSNP rs2496367779, ClinGen allele CA379646053.

ClinVar aggregate classification (germline): Uncertain significance (1 of 4 stars; one submission).

Conditions:
Charcot-Marie-Tooth disease type 4. Also called: Charcot-Marie-Tooth, Type 4; Charcot-Marie-Tooth disease, type IV. Identifiers: Orphanet 64749, MedGen C4082197, MONDO:0018995.

Submission:

Labcorp Genetics (formerly Invitae), Labcorp
Classification: Uncertain significance for Charcot-Marie-Tooth disease type 4. Last evaluated: 2023-11-27. Review status: criteria provided, single submitter. Criteria: Invitae Variant Classification Sherloc (09022015). Collection method: clinical testing. Allele origin: germline.
Comment: This sequence change replaces glycine, which is neutral and non-polar, with glutamic acid, which is acidic and polar, at codon 179 of the SBF2 protein (p.Gly179Glu). This variant is not present in population databases (gnomAD no frequency). This variant has not been reported in the literature in individuals affected with SBF2-related conditions. ClinVar contains an entry for this variant (Variation ID: 1997633). Advanced modeling of protein sequence and biophysical properties (such as structural, functional, and spatial information, amino acid conservation, physicochemical variation, residue mobility, and thermodynamic stability) performed at Invitae indicates that this missense variant is expected to disrupt SBF2 protein function with a positive predictive value of 80%. In summary, the available evidence is currently insufficient to determine the role of this variant in disease. Therefore, it has been classified as a Variant of Uncertain Significance.